The following is an entry in ClinVar:

ClinVar aggregate classification (germline): Uncertain significance (1 of 4 stars; one submission).

Allele frequency attached by ClinVar (database versions not stated): gnomAD exomes below 0.00001.
gnomAD v4.1: 1 of 1,613,440 alleles (0.000062%); highest among the groups gnomAD compares: Non-Finnish European, 0.000085%; no homozygotes.

Submission:

Labcorp Genetics (formerly Invitae), Labcorp
Classification: Uncertain significance. Last evaluated: 2022-08-22. Review status: criteria provided, single submitter. Criteria: Invitae Variant Classification Sherloc (09022015). Collection method: clinical testing. Allele origin: germline.
Comment: In summary, the available evidence is currently insufficient to determine the role of this variant in disease. Therefore, it has been classified as a Variant of Uncertain Significance. Algorithms developed to predict the effect of missense changes on protein structure and function are either unavailable or do not agree on the potential impact of this missense change (SIFT: "Deleterious"; PolyPhen-2: "Probably Damaging"; Align-GVGD: "Class C0"). This variant has not been reported in the literature in individuals affected with LONP1-related conditions. This variant is not present in population databases (gnomAD no frequency). This sequence change replaces aspartic acid, which is acidic and polar, with glutamic acid, which is acidic and polar, at codon 621 of the LONP1 protein (p.Asp621Glu).

NM_004793.4(LONP1):c.1863C>G (p.Asp621Glu)

Gene: LONP1 (lon peptidase 1, mitochondrial; minus strand). Cytogenetic location: 19p13.3.
Variant type: single nucleotide variant.
Coding change: c.1863C>G on transcript NM_004793.4 (MANE Select); coding-DNA position 1863, C replaced by G.
Protein change: p.Asp621Glu; replaces aspartic acid 621 with glutamic acid.
Molecular consequence: missense variant. On other transcripts: non-coding transcript variant (1).
Genome position (GRCh38, 1-based): chr19:5,696,282, G>C on the plus strand (C>G on the coding strand, the complement: LONP1 is on the minus strand). VCF-style: chr19-5696282-G-C. GRCh37 (hg19) VCF-style: chr19-5696293-G-C.
Other names: c.1671C>G, p.Asp557Glu (NM_001276479.2); c.1275C>G, p.Asp425Glu (NM_001276480.1); short protein forms D557E, D621E, D425E.
Identifiers: ClinVar variation 2002437 (VCV002002437.4), dbSNP rs1453642346, ClinGen allele CA403529018.